The following is an entry in ClinVar:

NM_133493.5(CD109):c.1709C>T (p.Pro570Leu)

Gene: CD109 (CD109 molecule; plus strand). Cytogenetic location: 6q13.
Variant type: single nucleotide variant.
Coding change: c.1709C>T on transcript NM_133493.5 (MANE Select); coding-DNA position 1709, C replaced by T.
Protein change: p.Pro570Leu; replaces proline 570 with leucine.
Molecular consequence: missense variant.
Genome position (GRCh38, 1-based): chr6:73,771,463, C>T. VCF-style: chr6-73771463-C-T. GRCh37 (hg19) VCF-style: chr6-74481186-C-T.
Other names: c.1709C>T, p.Pro570Leu (NM_001159587.3); c.1478C>T, p.Pro493Leu (NM_001159588.3); short protein forms P493L, P570L.
Identifiers: ClinVar variation 3257589 (VCV003257589.18).

ClinVar aggregate classification (germline): Likely benign. Review status: criteria provided, single submitter (1 of 4 stars). 2 submissions from 2 submitters: Likely benign (1). 1 of the submissions does not count toward it. Last evaluated 2024-07-01.

Conditions:
Multiple sclerosis. Identifiers: MedGen C0026769, MONDO:0005301.

gnomAD v4.1: 5,957 of 1,606,202 alleles (0.37%); highest among the groups gnomAD compares: Non-Finnish European, 0.45%; 23 homozygotes.

Submissions (2):

CeGaT Center for Human Genetics Tuebingen
Classification: Likely benign. Last evaluated: 2024-07-01. Review status: criteria provided, single submitter. Criteria: CeGaT Center For Human Genetics Tuebingen Variant Classification Criteria Version 2. Collection method: clinical testing. Allele origin: germline. Affected: yes. Observed: 1 variant allele.
Comment: CD109: BS2

Department of Molecular Biology and Genetics, Acibadem University
Classification: Likely pathogenic for Multiple sclerosis. Last evaluated: 2024-06-10. Review status: no assertion criteria provided. Collection method: research. Allele origin: germline. Affected: yes. Not counted in ClinVar's aggregate classification.